The following is an entry in ClinVar:

NM_000352.6(ABCC8):c.1957C>T (p.Arg653Trp)

Gene: ABCC8 (ATP binding cassette subfamily C member 8; minus strand). Cytogenetic location: 11p15.1.
Variant type: single nucleotide variant.
Coding change: c.1957C>T on transcript NM_000352.6 (MANE Select); coding-DNA position 1957, C replaced by T.
Protein change: p.Arg653Trp; replaces arginine 653 with tryptophan.
Molecular consequence: missense variant. On other transcripts: non-coding transcript variant (1).
Genome position (GRCh38, 1-based): chr11:17,428,372, G>A on the plus strand (C>T on the coding strand, the complement: ABCC8 is on the minus strand). VCF-style: chr11-17428372-G-A. GRCh37 (hg19) VCF-style: chr11-17449919-G-A.
Other names: c.1957C>T, p.Arg653Trp (NM_001287174.3); c.2023C>T, p.Arg675Trp (NM_001351295.2); c.1954C>T, p.Arg652Trp (NM_001351296.2, NM_001351297.2); short protein forms R652W, R653W, R675W.
Identifiers: ClinVar variation 2635754 (VCV002635754.2), dbSNP rs372230762, ClinGen allele CA5903365.

ClinVar aggregate classification (germline): Uncertain significance. Review status: criteria provided, multiple submitters, no conflicts (2 of 4 stars). 2 submissions from 2 submitters: Uncertain significance (2). Last evaluated 2024-04-22.

Conditions:
ABCC8-related disorder.
Leucine-induced hypoglycemia (LIH). Also called: LEUCINE-SENSITIVE HYPOGLYCEMIA OF INFANCY. Identifiers: MedGen C0271714, MONDO:0009415, OMIM 240800.
Diabetes mellitus, permanent neonatal 3. Also called: ABCC8-Related Permanent Neonatal Diabetes Mellitus. Identifiers: MedGen C5394303, MONDO:0030088, OMIM 618857.
Diabetes mellitus, transient neonatal, 2 (TNDM2). Identifiers: Orphanet 99886, MedGen C1835887, MONDO:0012480, OMIM 610374. Disease mechanism: loss of function.
Type 2 diabetes mellitus. Also called: Type II diabetes mellitus. Identifiers: MedGen C0011860, MeSH D003924, MONDO:0005148, OMIM 125853, HP:0005978.
Hyperinsulinemic hypoglycemia, familial, 1 (HHF1). Also called: Persistent hyperinsulinemic hypoglycemia of infancy; HYPERINSULINISM, FAMILIAL, WITH PANCREATIC NESIDIOBLASTOSIS; HYPOGLYCEMIA, HYPERINSULINEMIC, OF INFANCY; NESIDIOBLASTOSIS OF PANCREAS; Persistent Hyperinsulinemia Hypoglycemia of Infancy. Identifiers: Orphanet 276575, Orphanet 276598, MedGen C2931832, MONDO:0009734, OMIM 256450.

Allele frequency attached by ClinVar (database versions not stated): ExAC 0.00002; ESP Exome Variant Server 0.00008.
gnomAD v4.1: 48 of 1,613,946 alleles (0.003%); highest among the groups gnomAD compares: Non-Finnish European, 0.0035%; no homozygotes.

Submissions (2):

Fulgent Genetics
Classification: Uncertain significance for Type 2 diabetes mellitus; Leucine-induced hypoglycemia; Hyperinsulinemic hypoglycemia, familial, 1; Diabetes mellitus, transient neonatal, 2; Diabetes mellitus, permanent neonatal 3. Last evaluated: 2024-04-22. Review status: criteria provided, single submitter. Criteria: ACMG Guidelines, 2015. Collection method: clinical testing. Allele origin: germline.

PreventionGenetics, part of Exact Sciences
Classification: Uncertain significance for ABCC8-related condition. Last evaluated: 2023-08-14. Review status: criteria provided, single submitter. Criteria: ACMG Guidelines, 2015. Collection method: clinical testing. Allele origin: germline.
Comment: The ABCC8 c.1957C>T variant is predicted to result in the amino acid substitution p.Arg653Trp. To our knowledge, this variant has not been reported in the literature. This variant is reported in 0.0028% of alleles in individuals of Latino descent in gnomAD. At this time, the clinical significance of this variant is uncertain due to the absence of conclusive functional and genetic evidence.